The following is an entry in ClinVar:

ClinVar aggregate classification (germline): Pathogenic (0 of 4 stars; one submission).

Conditions:
Angelman syndrome (AS). Also called: HAPPY PUPPET SYNDROME. Identifiers: Orphanet 72, MedGen C0162635, MONDO:0007113, OMIM 105830. Disease mechanism: loss of function. Inheritance: AS is caused by disruption of maternally imprinted UBE3A located within the 15q11.2-q13 Angelman syndrome/Prader-Willi syndrome (AS/PWS) region., imprinting disorder.

Submission:

Baylor Genetics
Classification: Pathogenic for Angelman Syndrome. Last evaluated: 2014-02-14. Review status: no assertion criteria provided. Collection method: clinical testing. Allele origin: de novo. Affected: yes. Observed: 1 variant allele. Study: UBE3A Mutation Study.
Comment: Data collected from clinical UBE3A sequence analysis results

Literature cited by the submitters: PubMed 25212744.

NM_130839.5(UBE3A):c.695A>T (p.Asp232Val)

Genes: SNHG14 (small nucleolar RNA host gene 14; plus strand), UBE3A (ubiquitin protein ligase E3A; minus strand). Cytogenetic location: 15q11.2.
Variant type: single nucleotide variant.
Coding change: c.695A>T on transcript NM_130839.5 (MANE Select); coding-DNA position 695, A replaced by T.
Protein change: p.Asp232Val; replaces aspartic acid 232 with valine.
Molecular consequence: missense variant. On other transcripts: non-coding transcript variant (1), intron variant (2).
Genome position (GRCh38, 1-based): chr15:25,371,479, T>A on the plus strand (A>T on the coding strand, the complement: UBE3A is on the minus strand). VCF-style: chr15-25371479-T-A. GRCh37 (hg19) VCF-style: chr15-25616626-T-A.
Other names: c.704A>T, p.Asp235Val (NM_000462.5); c.695A>T, p.Asp232Val (NM_001354505.1, NM_001354538.2, NM_001354545.2); c.635A>T, p.Asp212Val (NM_001354506.2, NM_001354507.2, NM_001354508.2 and 17 more transcripts); c.518A>T, p.Asp173Val (NM_001354546.2); c.301+3986A>T (NM_001354551.2); c.361+3986A>T (NM_001354550.2); short protein forms D212V, D235V, D173V, D232V.
Identifiers: ClinVar variation 136204 (VCV000136204.1), dbSNP rs587780581, ClinGen allele CA333481.